The following is an entry in ClinVar:

NM_015512.5(DNAH1):c.10071A>G (p.Leu3357=)

Gene: DNAH1 (dynein axonemal heavy chain 1; plus strand). Cytogenetic location: 3p21.1.
Variant type: single nucleotide variant.
Coding change: c.10071A>G on transcript NM_015512.5 (MANE Select); coding-DNA position 10071, A replaced by G.
Protein change: p.Leu3357=; no amino-acid change (leucine 3357 retained).
Molecular consequence: synonymous variant.
Genome position (GRCh38, 1-based): chr3:52,392,482, A>G. VCF-style: chr3-52392482-A-G. GRCh37 (hg19) VCF-style: chr3-52426498-A-G.
Identifiers: ClinVar variation 478379 (VCV000478379.37), dbSNP rs554676148, ClinGen allele CA74782817.

ClinVar aggregate classification (germline): Conflicting classifications of pathogenicity. Review status: criteria provided, conflicting classifications (1 of 4 stars). 4 submissions from 4 submitters: Uncertain significance (1); Likely benign (3). Last evaluated 2025-08-18.

Conditions:
Spermatogenic failure 18. Identifiers: MedGen C4539783, MONDO:0054615, OMIM 617576.
Ciliary dyskinesia, primary, 37 (CILD37). Also called: CILIARY DYSKINESIA, PRIMARY, 37, WITH OR WITHOUT SITUS INVERSUS. Identifiers: MedGen C4539798, MONDO:0033204, OMIM 617577.

Allele frequency attached by ClinVar (database versions not stated): gnomAD 0.00001 and 0.00004; TOPMed 0.00001.
gnomAD v4.1: 28 of 1,613,672 alleles (0.0017%); highest among the groups gnomAD compares: Middle Eastern, 0.085%; 1 homozygote.

Submissions (4):

Labcorp Genetics (formerly Invitae), Labcorp
Classification: Likely benign for Ciliary dyskinesia, primary, 37; Spermatogenic failure 18. Last evaluated: 2025-08-18. Review status: criteria provided, single submitter. Criteria: Invitae Variant Classification Sherloc (09022015). Collection method: clinical testing. Allele origin: germline.

Blueprint Genetics
Classification: Likely benign. Last evaluated: 2024-11-11. Review status: criteria provided, single submitter. Criteria: ACMG Guidelines, 2015. Collection method: clinical testing. Allele origin: germline.

CeGaT Center for Human Genetics Tuebingen
Classification: Likely benign. Last evaluated: 2023-06-01. Review status: criteria provided, single submitter. Criteria: CeGaT Center For Human Genetics Tuebingen Variant Classification Criteria Version 2. Collection method: clinical testing. Allele origin: germline. Affected: yes. Observed: 1 variant allele.
Comment: DNAH1: BP4, BP7

Baylor Genetics
Classification: Uncertain significance for Ciliary dyskinesia, primary, 37. Last evaluated: 2019-09-06. Review status: criteria provided, single submitter. Criteria: ACMG Guidelines, 2015. Collection method: clinical testing. Allele origin: unknown. Affected: yes.
Comment: This variant was determined to be of uncertain significance according to ACMG Guidelines, 2015 [PMID:25741868].